The following is an entry in ClinVar:

ClinVar aggregate classification (germline): Benign/Likely benign. Review status: criteria provided, multiple submitters, no conflicts (2 of 4 stars). 3 submissions from 3 submitters: Benign (1); Likely benign (2). Last evaluated 2024-07-23.

Conditions:
Hereditary cancer-predisposing syndrome. Also called: Hereditary Cancer Syndrome; Hereditary neoplastic syndrome; Neoplastic Syndromes, Hereditary; Tumor predisposition. Identifiers: Orphanet 140162, MedGen C0027672, MeSH D009386, MONDO:0015356.
Familial cancer of breast. Also called: hereditary breast carcinoma; Hereditary breast cancer; BREAST CANCER, FAMILIAL. Identifiers: Orphanet 227535, MedGen C0346153, MONDO:0016419, OMIM 114480. Disease mechanism: loss of function.

Allele frequency attached by ClinVar (database versions not stated): gnomAD exomes below 0.00001.

Submissions (3):

Myriad Genetics, Inc.
Classification: Benign for Familial cancer of breast. Last evaluated: 2024-07-23. Review status: criteria provided, single submitter. Criteria: Myriad Autosomal Dominant, Autosomal Recessive and X-Linked Classification Criteria (2023). Collection method: clinical testing. Allele origin: unknown.
Comment: This variant is considered benign. This variant is a silent/synonymous amino acid change and it is not expected to impact splicing.

Ambry Genetics
Classification: Likely benign for Hereditary cancer-predisposing syndrome. Last evaluated: 2023-04-25. Review status: criteria provided, single submitter. Criteria: Ambry Variant Classification Scheme 2023. Collection method: clinical testing. Allele origin: germline.

Labcorp Genetics (formerly Invitae), Labcorp
Classification: Likely benign for Familial cancer of breast. Last evaluated: 2022-11-08. Review status: criteria provided, single submitter. Criteria: Invitae Variant Classification Sherloc (09022015). Collection method: clinical testing. Allele origin: germline.

NM_000465.4(BARD1):c.1017C>T (p.Ser339=)

Gene: BARD1 (BRCA1 associated RING domain 1; minus strand). Cytogenetic location: 2q35.
Variant type: single nucleotide variant.
Coding change: c.1017C>T on transcript NM_000465.4 (MANE Select); coding-DNA position 1017, C replaced by T.
Protein change: p.Ser339=; no amino-acid change (serine 339 retained).
Molecular consequence: synonymous variant. On other transcripts: non-coding transcript variant (2), intron variant (3).
Genome position (GRCh38, 1-based): chr2:214,780,857, G>A on the plus strand (C>T on the coding strand, the complement: BARD1 is on the minus strand). VCF-style: chr2-214780857-G-A. GRCh37 (hg19) VCF-style: chr2-215645581-G-A.
Other names: c.1017C>T (NM_000465.2); c.960C>T, p.Ser320= (NM_001282543.2); c.159-28302C>T (NM_001282548.2); c.215+16204C>T (NM_001282545.2); c.364+11440C>T (NM_001282549.2).
Identifiers: ClinVar variation 1925251 (VCV001925251.8), dbSNP rs2106109206, ClinGen allele CA431390751.